The following is an entry in ClinVar:

ClinVar aggregate classification (germline): Uncertain significance (1 of 4 stars; one submission).

Conditions:
Vici syndrome (VICIS). Identifiers: Orphanet 1493, MedGen C1855772, MONDO:0009452, OMIM 242840.

Submission:

Labcorp Genetics (formerly Invitae), Labcorp
Classification: Uncertain significance for Vici syndrome. Last evaluated: 2022-10-13. Review status: criteria provided, single submitter. Criteria: Invitae Variant Classification Sherloc (09022015). Collection method: clinical testing. Allele origin: germline.
Comment: In summary, the available evidence is currently insufficient to determine the role of this variant in disease. Therefore, it has been classified as a Variant of Uncertain Significance. Advanced modeling of protein sequence and biophysical properties (such as structural, functional, and spatial information, amino acid conservation, physicochemical variation, residue mobility, and thermodynamic stability) performed at Invitae indicates that this missense variant is not expected to disrupt EPG5 protein function. ClinVar contains an entry for this variant (Variation ID: 1366038). This variant has not been reported in the literature in individuals affected with EPG5-related conditions. This variant is not present in population databases (gnomAD no frequency). This sequence change replaces proline, which is neutral and non-polar, with serine, which is neutral and polar, at codon 1477 of the EPG5 protein (p.Pro1477Ser).

NM_020964.3(EPG5):c.4429C>T (p.Pro1477Ser)

Gene: EPG5 (ectopic P-granules 5 autophagy tethering factor; minus strand). Cytogenetic location: 18q21.1.
Variant type: single nucleotide variant.
Coding change: c.4429C>T on transcript NM_020964.3 (MANE Select); coding-DNA position 4429, C replaced by T.
Protein change: p.Pro1477Ser; replaces proline 1477 with serine.
Molecular consequence: missense variant.
Genome position (GRCh38, 1-based): chr18:45,904,018, G>A on the plus strand (C>T on the coding strand, the complement: EPG5 is on the minus strand). VCF-style: chr18-45904018-G-A. GRCh37 (hg19) VCF-style: chr18-43483983-G-A.
Other names: short protein forms P1477S.
Identifiers: ClinVar variation 1366038 (VCV001366038.9), dbSNP rs2049688459, ClinGen allele CA402338231.